The following is an entry in ClinVar:

ClinVar aggregate classification (germline): Likely benign (0 of 4 stars; one submission).

Conditions:
FREM2-related disorder. Also called: FREM2-related condition.

Allele frequency attached by ClinVar (database versions not stated): ExAC 0.00001; gnomAD 0.00001; gnomAD exomes 0.00002; TOPMed 0.00002.
gnomAD v4.1: 34 of 1,606,950 alleles (0.0021%); highest among the groups gnomAD compares: Non-Finnish European, 0.0028%; no homozygotes.

Submission:

PreventionGenetics, part of Exact Sciences
Classification: Likely benign for FREM2-related condition. Last evaluated: 2023-02-27. Review status: no assertion criteria provided. Collection method: clinical testing. Allele origin: germline.
Comment: This variant is classified as likely benign based on ACMG/AMP sequence variant interpretation guidelines (Richards et al. 2015 PMID: 25741868, with internal and published modifications).

NM_207361.6(FREM2):c.7548T>G (p.Val2516=)

Gene: FREM2 (FRAS1 related extracellular matrix 2; plus strand). Cytogenetic location: 13q13.3.
Variant type: single nucleotide variant.
Coding change: c.7548T>G on transcript NM_207361.6 (MANE Select); coding-DNA position 7548, T replaced by G.
Protein change: p.Val2516=; no amino-acid change (valine 2516 retained).
Molecular consequence: synonymous variant.
Genome position (GRCh38, 1-based): chr13:38,861,459, T>G. VCF-style: chr13-38861459-T-G. GRCh37 (hg19) VCF-style: chr13-39435596-T-G.
Identifiers: ClinVar variation 3029897 (VCV003029897.2), dbSNP rs757624119, ClinGen allele CA6955907.